The following is an entry in ClinVar:

NM_007272.3(CTRC):c.747G>A (p.Pro249=)

Gene: CTRC (chymotrypsin C; plus strand). Cytogenetic location: 1p36.21.
Variant type: single nucleotide variant.
Coding change: c.747G>A on transcript NM_007272.3 (MANE Select); coding-DNA position 747, G replaced by A.
Protein change: p.Pro249=; no amino-acid change (proline 249 retained).
Molecular consequence: synonymous variant.
Genome position (GRCh38, 1-based): chr1:15,445,704, G>A. VCF-style: chr1-15445704-G-A. GRCh37 (hg19) VCF-style: chr1-15772199-G-A.
Identifiers: ClinVar variation 416442 (VCV000416442.27), dbSNP rs150078209, ClinGen allele CA613460.

ClinVar aggregate classification (germline): Benign/Likely benign. Review status: criteria provided, multiple submitters, no conflicts (2 of 4 stars). 4 submissions from 4 submitters: Benign (1); Likely benign (3). Last evaluated 2025-11-10.

Conditions:
Hereditary pancreatitis (PCTT). Also called: PRSS1-Related Hereditary Pancreatitis; Hereditary chronic pancreatitis. Identifiers: Orphanet 676, MedGen C0238339, MONDO:0008185, OMIM 167800.

Allele frequency attached by ClinVar (database versions not stated): ExAC 0.00007; TOPMed 0.00010; gnomAD 0.00012; ESP Exome Variant Server 0.00015.

Submissions (4):

Labcorp Genetics (formerly Invitae), Labcorp
Classification: Likely benign for Hereditary pancreatitis. Last evaluated: 2025-11-10. Review status: criteria provided, single submitter. Criteria: Invitae Variant Classification Sherloc (09022015). Collection method: clinical testing. Allele origin: germline.

ARUP Laboratories, Molecular Genetics and Genomics, ARUP Laboratories
Classification: Likely benign for Hereditary pancreatitis. Last evaluated: 2019-08-12. Review status: criteria provided, single submitter. Criteria: ARUP Molecular Germline Variant Investigation Process. Collection method: clinical testing. Allele origin: germline.

Illumina Laboratory Services, Illumina
Classification: Benign for Hereditary pancreatitis. Last evaluated: 2018-01-13. Review status: criteria provided, single submitter. Criteria: ICSL Variant Classification Criteria 13 December 2019. Collection method: clinical testing. Allele origin: germline.
Comment: This variant was observed in the ICSL laboratory as part of a predisposition screen in an ostensibly healthy population. It had not been previously curated by ICSL or reported in the Human Gene Mutation Database (HGMD: prior to June 1st, 2018), and was therefore a candidate for classification through an automated scoring system. Utilizing variant allele frequency, disease prevalence and penetrance estimates, and inheritance mode, an automated score was calculated to assess if this variant is too frequent to cause the disease. Based on the score and internal cut-off values, a variant classified as benign is not then subjected to further curation. The score for this variant resulted in a classification of benign for this disease.

Ambry Genetics
Classification: Likely benign for Hereditary pancreatitis. Last evaluated: 2017-01-04. Review status: criteria provided, single submitter. Criteria: Ambry Variant Classification Scheme 2023. Collection method: clinical testing. Allele origin: germline.